The following is an entry in ClinVar:

NM_013432.5(TONSL):c.170G>A (p.Arg57Gln)

Gene: TONSL (tonsoku like, DNA repair protein; minus strand). Cytogenetic location: 8q24.3.
Variant type: single nucleotide variant.
Coding change: c.170G>A on transcript NM_013432.5 (MANE Select); coding-DNA position 170, G replaced by A.
Protein change: p.Arg57Gln; replaces arginine 57 with glutamine.
Molecular consequence: missense variant.
Genome position (GRCh38, 1-based): chr8:144,443,976, C>T on the plus strand (G>A on the coding strand, the complement: TONSL is on the minus strand). VCF-style: chr8-144443976-C-T. GRCh37 (hg19) VCF-style: chr8-145669359-C-T.
Other names: short protein forms R57Q.
Identifiers: ClinVar variation 2085269 (VCV002085269.4), dbSNP rs1208023397, ClinGen allele CA372679541.
Genomic context (GRCh38, chr8:144,443,976, plus strand): 5'-AGGCGCTCTCCGATCTTGCGGTGGGCCACGGCACAGCCCAGAGGGTCGTCAGCGCGCTCC[C>T]GAAGCTGCAGCTCCTGCCAGTGCTGCTCCAGAGCCTCGGCGTAGCGGCCTAGGCGGGGGC-3'
Protein context (NP_038460.4, residues 47-67): LEQHWQELQL[Arg57Gln]ERADDPLGCA

ClinVar aggregate classification (germline): Uncertain significance (1 of 4 stars; one submission).

Submission:

Labcorp Genetics (formerly Invitae), Labcorp
Classification: Uncertain significance. Last evaluated: 2022-01-16. Review status: criteria provided, single submitter. Criteria: Invitae Variant Classification Sherloc (09022015). Collection method: clinical testing. Allele origin: germline.
Comment: In summary, the available evidence is currently insufficient to determine the role of this variant in disease. Therefore, it has been classified as a Variant of Uncertain Significance. This sequence change replaces arginine, which is basic and polar, with glutamine, which is neutral and polar, at codon 57 of the TONSL protein (p.Arg57Gln). This variant is not present in population databases (gnomAD no frequency). This variant has not been reported in the literature in individuals affected with TONSL-related conditions. Algorithms developed to predict the effect of missense changes on protein structure and function (SIFT, PolyPhen-2, Align-GVGD) all suggest that this variant is likely to be tolerated.